The following is an entry in ClinVar:

ClinVar aggregate classification (germline): Uncertain significance (1 of 4 stars; one submission).

Conditions:
Hereditary cancer-predisposing syndrome. Also called: Neoplastic Syndromes, Hereditary; Tumor predisposition; Hereditary Cancer Syndrome; Hereditary neoplastic syndrome. Identifiers: Orphanet 140162, MedGen C0027672, MeSH D009386, MONDO:0015356.

Submission:

Ambry Genetics
Classification: Uncertain significance for Hereditary cancer-predisposing syndrome. Last evaluated: 2022-08-17. Review status: criteria provided, single submitter. Criteria: Ambry Variant Classification Scheme 2023. Collection method: clinical testing. Allele origin: germline.
Comment: The p.E408D variant (also known as c.1224G>C), located in coding exon 5 of the AXIN2 gene, results from a G to C substitution at nucleotide position 1224. The glutamic acid at codon 408 is replaced by aspartic acid, an amino acid with highly similar properties. This amino acid position is conserved. In addition, this alteration is predicted to be tolerated by in silico analysis. Since supporting evidence is limited at this time, the clinical significance of this alteration remains unclear.

NM_004655.4(AXIN2):c.1224G>C (p.Glu408Asp)

Gene: AXIN2 (axin 2; minus strand). Cytogenetic location: 17q24.1.
Variant type: single nucleotide variant.
Coding change: c.1224G>C on transcript NM_004655.4 (MANE Select); coding-DNA position 1224, G replaced by C.
Protein change: p.Glu408Asp; replaces glutamic acid 408 with aspartic acid.
Molecular consequence: missense variant.
Genome position (GRCh38, 1-based): chr17:65,537,812, C>G on the plus strand (G>C on the coding strand, the complement: AXIN2 is on the minus strand). VCF-style: chr17-65537812-C-G. GRCh37 (hg19) VCF-style: chr17-63533930-C-G.
Other names: c.1224G>C, p.Glu408Asp (NM_001363813.1); short protein forms E408D.
Identifiers: ClinVar variation 1753925 (VCV001753925.2), dbSNP rs2509418376, ClinGen allele CA400677928.